The following is an entry in ClinVar:

NM_000747.3(CHRNB1):c.865G>A (p.Val289Met)

Gene: CHRNB1 (cholinergic receptor nicotinic beta 1 subunit; plus strand). Cytogenetic location: 17p13.1.
Variant type: single nucleotide variant.
Coding change: c.865G>A on transcript NM_000747.3 (MANE Select); coding-DNA position 865, G replaced by A.
Protein change: p.Val289Met; replaces valine 289 with methionine.
Molecular consequence: missense variant.
Genome position (GRCh38, 1-based): chr17:7,454,341, G>A. VCF-style: chr17-7454341-G-A. GRCh37 (hg19) VCF-style: chr17-7357660-G-A.
Other names: V266M; short protein forms V289M.
Identifiers: ClinVar variation 18372 (VCV000018372.17), dbSNP rs137852810, ClinGen allele CA128074.
Genomic context (GRCh38, chr17:7,454,341, plus strand): 5'-CCCTCTGCCCTCCAAGGAGAGAAGATGGGGCTCTCAATCTTTGCCCTGCTGACCCTTACT[G>A]TGTTCCTGCTGCTGCTGGCTGACAAAGTACCTGAGACCTCACTATCAGTACCCATTATTA-3'
Protein context (NP_000738.2, residues 279-299): LSIFALLTLT[Val289Met]FLLLLADKVP

ClinVar aggregate classification (germline): Pathogenic. Review status: criteria provided, multiple submitters, no conflicts (2 of 4 stars). 5 submissions from 5 submitters: Pathogenic (4). 1 of the submissions does not count toward it. Last evaluated 2024-10-04.

Conditions:
Congenital myasthenic syndrome 2C. Also called: Myasthenic syndrome, congenital, 2C, associated with acetylcholine receptor deficiency. Identifiers: Orphanet 590, MedGen C4225373, MONDO:0014582, OMIM 616314.
Congenital myasthenic syndrome 2A. Also called: Myasthenic syndrome, congenital, 2a, slow-channel. Identifiers: Orphanet 590, MedGen C4225374, MONDO:0014581, OMIM 616313.

Submissions (5):

Dubai Health Genomic Medicine Center, Dubai Health
Classification: Pathogenic for Myasthenic syndrome, congenital, 2C, associated with acetylcholine receptor deficiency. Last evaluated: 2024-10-04. Review status: criteria provided, single submitter. Criteria: ACMG Guidelines, 2015. Collection method: research. Allele origin: germline. Affected: yes.
Comment: PS3,PM3(strong),PM2,PP3,PM5

GeneDx
Classification: Pathogenic. Last evaluated: 2024-06-11. Review status: criteria provided, single submitter. Criteria: GeneDx Variant Classification Process June 2021. Collection method: clinical testing. Allele origin: germline. Affected: yes.
Comment: Published functional studies demonstrate a damaging effect (pathologic channel opening) (PMID: 8872460); In silico analysis supports that this missense variant has a deleterious effect on protein structure/function; Not observed at significant frequency in large population cohorts (gnomAD); This variant is associated with the following publications: (PMID: 27391121, 20562457, 8872460, 32895905)

Labcorp Genetics (formerly Invitae), Labcorp
Classification: Pathogenic for Congenital myasthenic syndrome 2A. Last evaluated: 2022-02-09. Review status: criteria provided, single submitter. Criteria: Invitae Variant Classification Sherloc (09022015). Collection method: clinical testing. Allele origin: germline.
Comment: Experimental studies have shown that this missense change affects CHRNB1 function (PMID: 8872460). For these reasons, this variant has been classified as Pathogenic. Advanced modeling of protein sequence and biophysical properties (such as structural, functional, and spatial information, amino acid conservation, physicochemical variation, residue mobility, and thermodynamic stability) performed at Invitae indicates that this missense variant is expected to disrupt CHRNB1 protein function. ClinVar contains an entry for this variant (Variation ID: 18372). This missense change has been observed in individuals with autosomal dominant slow-channel congenital myasthenic syndrome (PMID: 8872460, 20562457, 27391121). This variant is not present in population databases (gnomAD no frequency). This sequence change replaces valine, which is neutral and non-polar, with methionine, which is neutral and non-polar, at codon 289 of the CHRNB1 protein (p.Val289Met).

Eurofins Ntd Llc (ga)
Classification: Pathogenic. Last evaluated: 2016-12-16. Review status: criteria provided, single submitter. Criteria: EGL Classification Definitions 2015. Collection method: clinical testing. Allele origin: germline.

OMIM
Classification: Pathogenic for MYASTHENIC SYNDROME, CONGENITAL, 2A, SLOW-CHANNEL. Last evaluated: 1996-09-01. Review status: no assertion criteria provided. Collection method: literature only. Allele origin: germline. Not counted in ClinVar's aggregate classification.

Literature cited by the submitters: PubMed 8872460 (cited by Labcorp Genetics (formerly Invitae), Labcorp and OMIM); PubMed 20562457 (cited by Labcorp Genetics (formerly Invitae), Labcorp); PubMed 27391121 (cited by Labcorp Genetics (formerly Invitae), Labcorp).